The following is an entry in ClinVar:

ClinVar aggregate classification (germline): Uncertain significance (1 of 4 stars; one submission).

Conditions:
Inborn genetic diseases. Identifiers: MedGen C0950123, MeSH D030342.

gnomAD v4.1: 3 of 1,614,196 alleles (0.00019%); highest among the groups gnomAD compares: Middle Eastern, 0.016%; no homozygotes.

Submission:

Ambry Genetics
Classification: Uncertain significance for Inborn genetic diseases. Last evaluated: 2025-01-07. Review status: criteria provided, single submitter. Criteria: Ambry Variant Classification Scheme 2023. Collection method: clinical testing. Allele origin: germline.
Comment: The p.T23S variant (also known as c.68C>G), located in coding exon 1 of the BMPR2 gene, results from a C to G substitution at nucleotide position 68. The threonine at codon 23 is replaced by serine, an amino acid with similar properties. This amino acid position is conserved. In addition, this alteration is predicted to be tolerated by in silico analysis. Based on the available evidence, the clinical significance of this variant remains unclear.

NM_001204.7(BMPR2):c.68C>G (p.Thr23Ser)

Gene: BMPR2 (bone morphogenetic protein receptor type 2; plus strand). Cytogenetic location: 2q33.1.
Variant type: single nucleotide variant.
Coding change: c.68C>G on transcript NM_001204.7 (MANE Select); coding-DNA position 68, C replaced by G.
Protein change: p.Thr23Ser; replaces threonine 23 with serine.
Molecular consequence: missense variant.
Genome position (GRCh38, 1-based): chr2:202,377,542, C>G. VCF-style: chr2-202377542-C-G. GRCh37 (hg19) VCF-style: chr2-203242265-C-G.
Other names: short protein forms T23S.
Identifiers: ClinVar variation 3824822 (VCV003824822.1).